The following is an entry in ClinVar:

ClinVar aggregate classification (germline): Likely pathogenic. Review status: criteria provided, multiple submitters, no conflicts (2 of 4 stars). 2 submissions from 2 submitters: Likely pathogenic (2). Last evaluated 2024-06-01.

Conditions:
Congenital myasthenic syndrome 4A. Also called: CONGENITAL MYASTHENIC SYNDROME TYPE Ia1; MYASTHENIC SYNDROME, CONGENITAL, 4A, SLOW-CHANNEL, AUTOSOMAL RECESSIVE; Myasthenic syndrome, congenital, 4a, slow-channel. Identifiers: Orphanet 590, MedGen C4225413, MONDO:0011600, OMIM 605809.
Congenital myasthenic syndrome 4C (CMS4C). Also called: Myasthenic syndrome, congenital, associated with acetylcholine receptor deficiency. Identifiers: Orphanet 590, MedGen C1837091, MONDO:0012157, OMIM 608931.
Congenital myasthenic syndrome 4B. Also called: Myasthenic syndrome, congenital, 4b, fast-channel. Identifiers: Orphanet 590, MedGen C4225369, MONDO:0014586, OMIM 616324.

Submissions (2):

Fulgent Genetics
Classification: Likely pathogenic for Congenital myasthenic syndrome 4A; Congenital myasthenic syndrome 4C; Congenital myasthenic syndrome 4B. Last evaluated: 2024-06-01. Review status: criteria provided, single submitter. Criteria: ACMG Guidelines, 2015. Collection method: clinical testing. Allele origin: germline.

Juno Genomics, Hangzhou Juno Genomics, Inc
Classification: Likely pathogenic for Congenital myasthenic syndrome 4A; Congenital myasthenic syndrome 4B; Congenital myasthenic syndrome 4C. Review status: criteria provided, single submitter. Criteria: ACMG Guidelines, 2015. Collection method: clinical testing. Allele origin: germline. Affected: yes.
Comment: Null variant in a gene where loss of function (LOF) is a known mechanism of disease.;Absent from controls (or at extremely low frequency if recessive) in Genome Aggregation Database, Exome Sequencing Project, 1000 Genomes Project, or Exome Aggregation Consortium.

NM_000080.4(CHRNE):c.614G>A (p.Trp205Ter)

Genes: CHRNE (cholinergic receptor nicotinic epsilon subunit; minus strand), C17orf107 (chromosome 17 open reading frame 107; plus strand). Cytogenetic location: 17p13.2.
Variant type: single nucleotide variant.
Coding change: c.614G>A on transcript NM_000080.4 (MANE Select); coding-DNA position 614, G replaced by A.
Protein change: p.Trp205Ter; replaces tryptophan 205 with a stop codon.
Molecular consequence: nonsense. On other transcripts: 3 prime UTR variant (1).
Genome position (GRCh38, 1-based): chr17:4,901,178, C>T on the plus strand (G>A on the coding strand, the complement: CHRNE is on the minus strand). VCF-style: chr17-4901178-C-T. GRCh37 (hg19) VCF-style: chr17-4804473-C-T.
Other names: c.*645C>T (NM_001145536.2); short protein forms W205*.
Identifiers: ClinVar variation 3382128 (VCV003382128.3).